The following is an entry in ClinVar:

NM_004608.4(TBX6):c.469C>T (p.Arg157Cys)

Gene: TBX6 (T-box transcription factor 6; minus strand). Cytogenetic location: 16p11.2.
Variant type: single nucleotide variant.
Coding change: c.469C>T on transcript NM_004608.4 (MANE Select); coding-DNA position 469, C replaced by T.
Protein change: p.Arg157Cys; replaces arginine 157 with cysteine.
Molecular consequence: missense variant.
Genome position (GRCh38, 1-based): chr16:30,089,095, G>A on the plus strand (C>T on the coding strand, the complement: TBX6 is on the minus strand). VCF-style: chr16-30089095-G-A. GRCh37 (hg19) VCF-style: chr16-30100416-G-A.
Other names: short protein forms R157C.
Identifiers: ClinVar variation 1441645 (VCV001441645.8), dbSNP rs755846339, ClinGen allele CA8001913.

ClinVar aggregate classification (germline): Uncertain significance (1 of 4 stars; one submission).

Allele frequency attached by ClinVar (database versions not stated): gnomAD 0.00001 and 0.00002; gnomAD exomes 0.00002; TOPMed 0.00002; ExAC 0.00003.

Submission:

Labcorp Genetics (formerly Invitae), Labcorp
Classification: Uncertain significance. Last evaluated: 2020-11-06. Review status: criteria provided, single submitter. Criteria: Invitae Variant Classification Sherloc (09022015). Collection method: clinical testing. Allele origin: germline.
Comment: This sequence change replaces arginine with cysteine at codon 157 of the TBX6 protein (p.Arg157Cys). The arginine residue is moderately conserved and there is a large physicochemical difference between arginine and cysteine. This variant is present in population databases (rs755846339, ExAC 0.006%). This variant has not been reported in the literature in individuals with TBX6-related conditions. Algorithms developed to predict the effect of missense changes on protein structure and function are either unavailable or do not agree on the potential impact of this missense change (SIFT: "Deleterious"; PolyPhen-2: "Possibly Damaging"; Align-GVGD: "Class C0"). Algorithms developed to predict the effect of sequence changes on RNA splicing suggest that this variant may create or strengthen a splice site, but this prediction has not been confirmed by published transcriptional studies. In summary, the available evidence is currently insufficient to determine the role of this variant in disease. Therefore, it has been classified as a Variant of Uncertain Significance.